The following is an entry in ClinVar:

NM_002473.6(MYH9):c.1271G>A (p.Arg424Gln)

Gene: MYH9 (myosin heavy chain 9; minus strand). Cytogenetic location: 22q12.3.
Variant type: single nucleotide variant.
Coding change: c.1271G>A on transcript NM_002473.6 (MANE Select); coding-DNA position 1271, G replaced by A.
Protein change: p.Arg424Gln; replaces arginine 424 with glutamine.
Molecular consequence: missense variant.
Genome position (GRCh38, 1-based): chr22:36,316,626, C>T on the plus strand (G>A on the coding strand, the complement: MYH9 is on the minus strand). VCF-style: chr22-36316626-C-T. GRCh37 (hg19) VCF-style: chr22-36712671-C-T.
Other names: c.1271G>A (NM_002473.4); short protein forms R424Q.
Identifiers: ClinVar variation 562364 (VCV000562364.4), dbSNP rs1321659356, ClinGen allele CA411402355.
Genomic context (GRCh38, chr22:36,316,626, plus strand): 5'-CCCTGCCTCTTGGTCTTGTCCAGAGCCTTGTTGATGCGCAGCACCAGCCAGCGGAACATC[C>T]GCTCATAGGTCGCCTTGGCCAAGGCCTCGATGGCAAAGTCAGCCTGCGGGGCACACCCGG-3'
Protein context (NP_002464.1, residues 414-434): IEALAKATYE[Arg424Gln]MFRWLVLRIN

ClinVar aggregate classification (germline): Conflicting classifications of pathogenicity. Review status: criteria provided, conflicting classifications (1 of 4 stars). 4 submissions from 4 submitters: Likely pathogenic (2); Uncertain significance (1). 1 of the submissions does not count toward it. Last evaluated 2025-08-24.

Conditions:
Macrothrombocytopenia and granulocyte inclusions with or without nephritis or sensorineural hearing loss (MATINS). Also called: MYH9-Related Disease (MYH9-RD); MACROTHROMBOCYTOPENIA WITH LEUKOCYTE INCLUSIONS; BLEEDING DISORDER, PLATELET-TYPE, 6; MAY-HEGGLIN ANOMALY; SEBASTIAN PLATELET SYNDROME; MACROTHROMBOCYTOPENIA WITH DISPERSED LEUKOCYTIC INCLUSIONS. Identifiers: Orphanet 182050, MedGen C5200934, MONDO:0015912, OMIM 155100.

Allele frequency attached by ClinVar (database versions not stated): gnomAD exomes below 0.00001; gnomAD 0.00001; TOPMed 0.00001.

Submissions (4):

Labcorp Genetics (formerly Invitae), Labcorp
Classification: Uncertain significance. Last evaluated: 2025-08-24. Review status: criteria provided, single submitter. Criteria: Invitae Variant Classification Sherloc (09022015). Collection method: clinical testing. Allele origin: germline.
Comment: This sequence change replaces arginine, which is basic and polar, with glutamine, which is neutral and polar, at codon 424 of the MYH9 protein (p.Arg424Gln). This variant is not present in population databases (gnomAD no frequency). This missense change has been observed in individual(s) with kidney disease (PMID: 30586318, 31308072, 36938085). ClinVar contains an entry for this variant (Variation ID: 562364). Invitae Evidence Modeling of protein sequence and biophysical properties (such as structural, functional, and spatial information, amino acid conservation, physicochemical variation, residue mobility, and thermodynamic stability) indicates that this missense variant is not expected to disrupt MYH9 protein function with a negative predictive value of 80%. In summary, the available evidence is currently insufficient to determine the role of this variant in disease. Therefore, it has been classified as a Variant of Uncertain Significance.

GeneDx
Classification: Likely pathogenic. Last evaluated: 2025-03-27. Review status: criteria provided, single submitter. Criteria: GeneDx Variant Classification Process June 2021. Collection method: clinical testing. Allele origin: germline. Affected: yes.
Comment: Not observed at significant frequency in large population cohorts (gnomAD); In silico analysis supports that this missense variant has a deleterious effect on protein structure/function; This variant is associated with the following publications: (PMID: 31308072, 32545517, 30586318, 36938085, 34805643)

Victorian Clinical Genetics Services, Murdoch Childrens Research Institute
Classification: Likely pathogenic for Macrothrombocytopenia and granulocyte inclusions with or without nephritis or sensorineural hearing loss. Last evaluated: 2022-03-31. Review status: criteria provided, single submitter. Criteria: ACMG Guidelines, 2015. Collection method: clinical testing. Allele origin: germline. Inheritance: Autosomal dominant inheritance.
Comment: Based on the classification scheme VCGS_Germline_v1.3.4, this variant is classified as Likely Pathogenic. Following criteria are met: 0103 - Dominant negative or loss of function are potential mechanisms of disease in this gene and are associated with deafness, autosomal dominant 17 (MIM#603622), and macrothrombocytopenia and granulocyte inclusions with or without nephritis or sensorineural hearing loss (MIM#155100). Although the disease mechanism is not well understood, several hypotheses have been proposed including variants that are partially deficient but not complete loss of function, variants that cause various degrees of protein aggregation with deleterious effect, and variants that impair the function of other myosins when copolymerised (PMID: 32545517). (I) 0107 - This gene is associated with autosomal dominant disease. (I) 0115 - Variants in this gene are known to have variable expressivity with regard to age of onset, severity of sensorineural deafness, and the presence/absence of glomerular nephropathy, presenile cataract, and alterations of liver enzymes (PMID: 20301740). (I) 0200 - Variant is predicted to result in a missense amino acid change from arginine to glutamine. (I) 0251 - This variant is heterozygous. (I) 0302 - Variant is present in gnomAD (v3) <0.001 for a dominant condition (1 heterozygote, 0 homozygotes). (SP) 0502 - Missense variant with conflicting in silico predictions and uninformative conservation. (I) 0600 - Variant is located in the annotated myosin motor domain (UniProt). (I) 0710 - Another missense variant comparable to the one identified in this case has inconclusive previous evidence for pathogenicity. The variant p.(Arg424Trp) has been described once as a VUS in the ClinVar database with no additional information. (I) 0803 - This variant has limited previous evidence of pathogenicity in an unrelated individual. This variant has been reported in an individual with steroid-resistant nephrotic syndrome (PMID: 31308072). (SP) 0905 - No published segregation evidence has been identified for this variant. (I) 1007 - No published functional evidence has been identified for this variant. (I) 1101 - Very strong and specific phenotype match for this individual. (SP) 1208 - Inheritance information for this variant is not currently available in this individual. (I) Legend: (SP) - Supporting pathogenic, (I) - Information, (SB) - Supporting benign

Gharavi Laboratory, Columbia University
Classification: Likely pathogenic. Last evaluated: 2018-09-16. Review status: no assertion criteria provided. Criteria: ACMG Guidelines, 2015. Collection method: research. Allele origin: germline. Affected: yes. Not counted in ClinVar's aggregate classification.

Literature cited by the submitters: PubMed 30586318 (cited by Labcorp Genetics (formerly Invitae), Labcorp); PubMed 31308072 (cited by Labcorp Genetics (formerly Invitae), Labcorp and Victorian Clinical Genetics Services, Murdoch Childrens Research Institute); PubMed 36938085 (cited by Labcorp Genetics (formerly Invitae), Labcorp); PubMed 20301740 (cited by Victorian Clinical Genetics Services, Murdoch Childrens Research Institute); PubMed 32545517 (cited by Victorian Clinical Genetics Services, Murdoch Childrens Research Institute).